The following is an entry in ClinVar:

NM_000257.4(MYH7):c.2773A>G (p.Arg925Gly)

Gene: MYH7 (myosin heavy chain 7; minus strand). Cytogenetic location: 14q11.2.
Variant type: single nucleotide variant.
Coding change: c.2773A>G on transcript NM_000257.4 (MANE Select); coding-DNA position 2773, A replaced by G.
Protein change: p.Arg925Gly; replaces arginine 925 with glycine.
Molecular consequence: missense variant.
Genome position (GRCh38, 1-based): chr14:23,424,056, T>C on the plus strand (A>G on the coding strand, the complement: MYH7 is on the minus strand). VCF-style: chr14-23424056-T-C. GRCh37 (hg19) VCF-style: chr14-23893265-T-C.
Other names: short protein forms R925G.
Identifiers: ClinVar variation 850932 (VCV000850932.9), dbSNP rs1892592854, ClinGen allele CA389047102.

ClinVar aggregate classification (germline): Likely pathogenic (1 of 4 stars; one submission).

Conditions:
Hypertrophic cardiomyopathy. Also called: HYPERTROPHIC MYOCARDIOPATHY. Identifiers: Orphanet 217569, MedGen C0007194, MeSH D002312, MONDO:0005045, HP:0001639.

Submission:

Labcorp Genetics (formerly Invitae), Labcorp
Classification: Likely pathogenic for Hypertrophic cardiomyopathy. Last evaluated: 2022-11-29. Review status: criteria provided, single submitter. Criteria: Invitae Variant Classification Sherloc (09022015). Collection method: clinical testing. Allele origin: germline.
Comment: This sequence change replaces arginine, which is basic and polar, with glycine, which is neutral and non-polar, at codon 925 of the MYH7 protein (p.Arg925Gly). This variant is not present in population databases (gnomAD no frequency). This missense change has been observed in individual(s) with dilated cardiomyopathy (PMID: 26084686, 30384889). It has also been observed to segregate with disease in related individuals. ClinVar contains an entry for this variant (Variation ID: 850932). Advanced modeling of protein sequence and biophysical properties (such as structural, functional, and spatial information, amino acid conservation, physicochemical variation, residue mobility, and thermodynamic stability) performed at Invitae indicates that this missense variant is expected to disrupt MYH7 protein function. In summary, the currently available evidence indicates that the variant is pathogenic, but additional data are needed to prove that conclusively. Therefore, this variant has been classified as Likely Pathogenic.

Literature cited by the submitters: PubMed 26084686; PubMed 30384889.